The following is an entry in ClinVar:

ClinVar aggregate classification (germline): Conflicting classifications of pathogenicity. Review status: criteria provided, conflicting classifications (1 of 4 stars). 3 submissions from 3 submitters: Uncertain significance (1); Likely benign (2). Last evaluated 2025-05-15.

Conditions:
Hereditary cancer-predisposing syndrome. Also called: Hereditary Cancer Syndrome; Neoplastic Syndromes, Hereditary; Tumor predisposition; Hereditary neoplastic syndrome. Identifiers: Orphanet 140162, MedGen C0027672, MeSH D009386, MONDO:0015356.
Hereditary breast ovarian cancer syndrome. Also called: Hereditary breast and ovarian cancer syndrome; BRCA1- and BRCA2-Associated Hereditary Breast and Ovarian Cancer; Hereditary breast and/or ovarian cancer syndrome; Hereditary breast and ovarian cancer syndrome (HBOC); Breast and ovarian cancer; Hereditary breast and ovarian cancer. Identifiers: Orphanet 145, MedGen C0677776, MeSH D061325, MONDO:0003582. Disease mechanism: loss of function.

Allele frequency attached by ClinVar (database versions not stated): gnomAD exomes below 0.00001.

Submissions (3):

Ambry Genetics
Classification: Likely benign for Hereditary cancer-predisposing syndrome. Last evaluated: 2025-05-15. Review status: criteria provided, single submitter. Criteria: Ambry Variant Classification Scheme 2023. Collection method: clinical testing. Allele origin: germline.

Labcorp Genetics (formerly Invitae), Labcorp
Classification: Uncertain significance for Hereditary breast ovarian cancer syndrome. Last evaluated: 2022-01-27. Review status: criteria provided, single submitter. Criteria: Invitae Variant Classification Sherloc (09022015). Collection method: clinical testing. Allele origin: germline.
Comment: This variant has not been reported in the literature in individuals affected with BRCA2-related conditions. In summary, the available evidence is currently insufficient to determine the role of this variant in disease. Therefore, it has been classified as a Variant of Uncertain Significance. Advanced modeling of protein sequence and biophysical properties (such as structural, functional, and spatial information, amino acid conservation, physicochemical variation, residue mobility, and thermodynamic stability) performed at Invitae indicates that this missense variant is not expected to disrupt BRCA2 protein function. ClinVar contains an entry for this variant (Variation ID: 515753). This variant is not present in population databases (gnomAD no frequency). This sequence change replaces proline, which is neutral and non-polar, with leucine, which is neutral and non-polar, at codon 2532 of the BRCA2 protein (p.Pro2532Leu).

GeneDx
Classification: Likely benign. Last evaluated: 2018-02-21. Review status: criteria provided, single submitter. Criteria: GeneDx Variant Classification (06012015). Collection method: clinical testing. Allele origin: germline. Affected: yes.
Comment: This variant is considered likely benign or benign based on one or more of the following criteria: it is a conservative change, it occurs at a poorly conserved position in the protein, it is predicted to be benign by multiple in silico algorithms, and/or has population frequency not consistent with disease.

NM_000059.4(BRCA2):c.7595C>T (p.Pro2532Leu)

Gene: BRCA2 (BRCA2 DNA repair associated; plus strand). Cytogenetic location: 13q13.1.
Variant type: single nucleotide variant.
Coding change: c.7595C>T on transcript NM_000059.4 (MANE Select); coding-DNA position 7595, C replaced by T.
Protein change: p.Pro2532Leu; replaces proline 2532 with leucine.
Molecular consequence: missense variant.
Genome position (GRCh38, 1-based): chr13:32,356,587, C>T. VCF-style: chr13-32356587-C-T. GRCh37 (hg19) VCF-style: chr13-32930724-C-T.
Other names: short protein forms P2532L.
Identifiers: ClinVar variation 515753 (VCV000515753.14), dbSNP rs967458408, ClinGen allele CA387743924.